The following is an entry in ClinVar:

ClinVar aggregate classification (germline): Uncertain significance. Review status: criteria provided, multiple submitters, no conflicts (2 of 4 stars). 2 submissions from 2 submitters: Uncertain significance (2). Last evaluated 2025-04-29.

Allele frequency attached by ClinVar (database versions not stated): TOPMed 0.00001; gnomAD 0.00003; ESP Exome Variant Server 0.00008.
gnomAD v4.1: 23 of 1,613,984 alleles (0.0014%); highest among the groups gnomAD compares: African/African-American, 0.0027%; no homozygotes.

Submissions (2):

Ambry Genetics
Classification: Uncertain significance. Last evaluated: 2025-04-29. Review status: criteria provided, single submitter. Criteria: Ambry Variant Classification Scheme 2023. Collection method: clinical testing. Allele origin: germline.

Labcorp Genetics (formerly Invitae), Labcorp
Classification: Uncertain significance. Last evaluated: 2024-01-19. Review status: criteria provided, single submitter. Criteria: Invitae Variant Classification Sherloc (09022015). Collection method: clinical testing. Allele origin: germline.
Comment: This sequence change replaces serine, which is neutral and polar, with phenylalanine, which is neutral and non-polar, at codon 322 of the GPR161 protein (p.Ser322Phe). This variant is present in population databases (rs370552508, gnomAD 0.004%). This variant has not been reported in the literature in individuals affected with GPR161-related conditions. An algorithm developed to predict the effect of missense changes on protein structure and function (PolyPhen-2) suggests that this variant is likely to be disruptive. In summary, the available evidence is currently insufficient to determine the role of this variant in disease. Therefore, it has been classified as a Variant of Uncertain Significance.

NM_001375883.1(GPR161):c.905C>T (p.Ser302Phe)

Gene: GPR161 (G protein-coupled receptor 161; minus strand). Cytogenetic location: 1q24.2.
Variant type: single nucleotide variant.
Coding change: c.905C>T on transcript NM_001375883.1 (MANE Select); coding-DNA position 905, C replaced by T.
Protein change: p.Ser302Phe; replaces serine 302 with phenylalanine.
Molecular consequence: missense variant.
Genome position (GRCh38, 1-based): chr1:168,096,702, G>A on the plus strand (C>T on the coding strand, the complement: GPR161 is on the minus strand). VCF-style: chr1-168096702-G-A. GRCh37 (hg19) VCF-style: chr1-168065940-G-A.
Other names: c.905C>T (NM_153832.1); c.965C>T, p.Ser322Phe (NM_001267609.1); c.905C>T, p.Ser302Phe (NM_001267610.2, NM_001349632.1, NM_001349633.1 and 5 more transcripts); c.956C>T, p.Ser319Phe (NM_001267611.1); c.509C>T, p.Ser170Phe (NM_001267612.2, NM_001349635.1); c.671C>T, p.Ser224Phe (NM_001267613.1); c.563C>T, p.Ser188Phe (NM_001267614.1); short protein forms S170F, S224F, S302F, S319F, S188F, S322F.
Identifiers: ClinVar variation 2710234 (VCV002710234.4), dbSNP rs370552508, ClinGen allele CA1229603.